The following is an entry in ClinVar:

Single allele

Variant type: single nucleotide variant.
Identifiers: ClinVar variation 3341684 (VCV003341684.12).

ClinVar aggregate classification (germline): Likely benign (1 of 4 stars; one submission).

Submission:

CeGaT Center for Human Genetics Tuebingen
Classification: Likely benign. Last evaluated: 2024-08-01. Review status: criteria provided, single submitter. Criteria: CeGaT Center For Human Genetics Tuebingen Variant Classification Criteria Version 2. Collection method: clinical testing. Allele origin: germline. Affected: yes. Observed: 1 variant allele.
Comment: ANXA8L2: PP2, BP4, BS2